The following is an entry in ClinVar:

NM_006306.4(SMC1A):c.*2856A>T

Gene: SMC1A (structural maintenance of chromosomes 1A; minus strand). Cytogenetic location: Xp11.22.
Variant type: single nucleotide variant.
Coding change: c.*2856A>T on transcript NM_006306.4 (MANE Select); 2856 bases downstream of the stop codon, A replaced by T.
Molecular consequence: 3 prime UTR variant.
Genome position (GRCh38, 1-based): chrX:53,377,247, T>A on the plus strand (A>T on the coding strand, the complement: SMC1A is on the minus strand). VCF-style: chrX-53377247-T-A. GRCh37 (hg19) VCF-style: chrX-53404168-T-A.
Other names: c.*2856A>T (NM_001281463.1).
Identifiers: ClinVar variation 368566 (VCV000368566.5), dbSNP rs148128199, ClinGen allele CA10654365.

ClinVar aggregate classification (germline): Benign (1 of 4 stars; one submission).

Conditions:
Congenital muscular hypertrophy-cerebral syndrome (CDLS2). Also called: Cornelia de Lange syndrome 2; SMC1A-Related Cornelia de Lange Syndrome. Identifiers: Orphanet 199, MedGen C1802395, MONDO:0010370, OMIM 300590.

Allele frequency attached by ClinVar (database versions not stated): gnomAD 0.00018 and 0.00043; TOPMed 0.00022; 1000 Genomes Project 30x 0.00333; 1000 Genomes Project 0.00371.

Submission:

Illumina Laboratory Services, Illumina
Classification: Benign for Congenital muscular hypertrophy-cerebral syndrome. Last evaluated: 2018-01-13. Review status: criteria provided, single submitter. Criteria: ICSL Variant Classification Criteria 13 December 2019. Collection method: clinical testing. Allele origin: germline.
Comment: This variant was observed in the ICSL laboratory as part of a predisposition screen in an ostensibly healthy population. It had not been previously curated by ICSL or reported in the Human Gene Mutation Database (HGMD: prior to June 1st, 2018), and was therefore a candidate for classification through an automated scoring system. Utilizing variant allele frequency, disease prevalence and penetrance estimates, and inheritance mode, an automated score was calculated to assess if this variant is too frequent to cause the disease. Based on the score and internal cut-off values, a variant classified as benign is not then subjected to further curation. The score for this variant resulted in a classification of benign for this disease.